The following is an entry in ClinVar:

ClinVar aggregate classification (germline): Likely benign. Review status: criteria provided, multiple submitters, no conflicts (2 of 4 stars). 3 submissions from 3 submitters: Likely benign (3). Last evaluated 2026-01-10.

Conditions:
Hereditary cancer-predisposing syndrome. Also called: Tumor predisposition; Neoplastic Syndromes, Hereditary; Hereditary Cancer Syndrome; Hereditary neoplastic syndrome. Identifiers: Orphanet 140162, MedGen C0027672, MeSH D009386, MONDO:0015356.
Hereditary diffuse gastric adenocarcinoma (HDGC). Also called: DIFFUSE GASTRIC AND LOBULAR BREAST CANCER SYNDROME. Identifiers: Orphanet 26106, MedGen C1708349, MONDO:0007648, OMIM 137215.

Allele frequency attached by ClinVar (database versions not stated): gnomAD 0.00001; gnomAD exomes 0.00001 and 0.00002; ExAC 0.00002; TOPMed 0.00002.
gnomAD v4.1: 14 of 1,600,162 alleles (0.00087%); highest among the groups gnomAD compares: Middle Eastern, 0.034%; no homozygotes.

Submissions (3):

Labcorp Genetics (formerly Invitae), Labcorp
Classification: Likely benign for Hereditary diffuse gastric adenocarcinoma. Last evaluated: 2026-01-10. Review status: criteria provided, single submitter. Criteria: Invitae Variant Classification Sherloc (09022015). Collection method: clinical testing. Allele origin: germline.

GeneDx
Classification: Likely benign. Last evaluated: 2017-09-15. Review status: criteria provided, single submitter. Criteria: GeneDx Variant Classification (06012015). Collection method: clinical testing. Allele origin: germline. Affected: yes.
Comment: This variant is considered likely benign or benign based on one or more of the following criteria: it is a conservative change, it occurs at a poorly conserved position in the protein, it is predicted to be benign by multiple in silico algorithms, and/or has population frequency not consistent with disease.

Color Diagnostics, LLC DBA Color Health
Classification: Likely benign for Hereditary cancer-predisposing syndrome. Last evaluated: 2016-03-04. Review status: criteria provided, single submitter. Criteria: ACMG Guidelines, 2015. Collection method: clinical testing. Allele origin: germline.

NM_004360.5(CDH1):c.387+18T>C

Gene: CDH1 (cadherin 1; plus strand). Cytogenetic location: 16q22.1.
Variant type: single nucleotide variant.
Coding change: c.387+18T>C on transcript NM_004360.5 (MANE Select); 18 bases into the intron after coding-DNA position 387, T replaced by C.
Molecular consequence: intron variant.
Genome position (GRCh38, 1-based): chr16:68,801,911, T>C. VCF-style: chr16-68801911-T-C. GRCh37 (hg19) VCF-style: chr16-68835814-T-C.
Other names: c.387+18T>C (LRG_301t1, NM_001317184.2); c.-1229+18T>C (NM_001317185.2); c.-1433+18T>C (NM_001317186.2).
Identifiers: ClinVar variation 491535 (VCV000491535.11), dbSNP rs751887336, ClinGen allele CA8129843.